The following is an entry in ClinVar:

NM_001276270.2(MBD4):c.319G>A (p.Asp107Asn)

Gene: MBD4 (methyl-CpG binding domain 4, DNA glycosylase; minus strand). Cytogenetic location: 3q21.3.
Variant type: single nucleotide variant.
Coding change: c.319G>A on transcript NM_001276270.2 (MANE Select); coding-DNA position 319, G replaced by A.
Protein change: p.Asp107Asn; replaces aspartic acid 107 with asparagine.
Molecular consequence: missense variant. On other transcripts: intron variant (1).
Genome position (GRCh38, 1-based): chr3:129,437,736, C>T on the plus strand (G>A on the coding strand, the complement: MBD4 is on the minus strand). VCF-style: chr3-129437736-C-T. GRCh37 (hg19) VCF-style: chr3-129156579-C-T.
Other names: c.319G>A, p.Asp107Asn (NM_001276271.2, NM_001276272.2, NM_003925.3); c.247+72G>A (NM_001276273.2); short protein forms D107N.
Identifiers: ClinVar variation 3660837 (VCV003660837.2).

ClinVar aggregate classification (germline): Uncertain significance (1 of 4 stars; one submission).

Submission:

Labcorp Genetics (formerly Invitae), Labcorp
Classification: Uncertain significance. Last evaluated: 2024-07-30. Review status: criteria provided, single submitter. Criteria: Invitae Variant Classification Sherloc (09022015). Collection method: clinical testing. Allele origin: germline.
Comment: This sequence change replaces aspartic acid, which is acidic and polar, with asparagine, which is neutral and polar, at codon 107 of the MBD4 protein (p.Asp107Asn). This variant is not present in population databases (gnomAD no frequency). This variant has not been reported in the literature in individuals affected with MBD4-related conditions. An algorithm developed to predict the effect of missense changes on protein structure and function (PolyPhen-2) suggests that this variant is likely to be disruptive. Algorithms developed to predict the effect of sequence changes on RNA splicing suggest that this variant may disrupt the consensus splice site. In summary, the available evidence is currently insufficient to determine the role of this variant in disease. Therefore, it has been classified as a Variant of Uncertain Significance.